The following is an entry in ClinVar:

ClinVar aggregate classification (germline): Pathogenic (1 of 4 stars; one submission).

Conditions:
Hereditary spastic paraplegia 28. Also called: Spastic paraplegia 28, autosomal recessive. Identifiers: Orphanet 101008, MedGen C1836295, MONDO:0012256, OMIM 609340.

Submission:

Labcorp Genetics (formerly Invitae), Labcorp
Classification: Pathogenic for Hereditary spastic paraplegia 28. Last evaluated: 2025-12-28. Review status: criteria provided, single submitter. Criteria: Invitae Variant Classification Sherloc (09022015). Collection method: clinical testing. Allele origin: germline.
Comment: This sequence change creates a premature translational stop signal (p.Glu87*) in the DDHD1 gene. It is expected to result in an absent or disrupted protein product. Loss-of-function variants in DDHD1 are known to be pathogenic (PMID: 23176821, 24989667, 26944165, 27216551). This variant is not present in population databases (gnomAD no frequency). This variant has not been reported in the literature in individuals affected with DDHD1-related conditions. For these reasons, this variant has been classified as Pathogenic.

Literature cited by the submitters: PubMed 23176821; PubMed 24989667; PubMed 26944165; PubMed 27216551.

NM_001160148.2(DDHD1):c.259G>T (p.Glu87Ter)

Gene: DDHD1 (DDHD domain containing 1; minus strand). Cytogenetic location: 14q22.1.
Variant type: single nucleotide variant.
Coding change: c.259G>T on transcript NM_001160148.2 (MANE Select); coding-DNA position 259, G replaced by T.
Protein change: p.Glu87Ter; replaces glutamic acid 87 with a stop codon.
Molecular consequence: nonsense.
Genome position (GRCh38, 1-based): chr14:53,152,840, C>A on the plus strand (G>T on the coding strand, the complement: DDHD1 is on the minus strand). VCF-style: chr14-53152840-C-A. GRCh37 (hg19) VCF-style: chr14-53619558-C-A.
Other names: c.259G>T, p.Glu87Ter (NM_001160147.2, NM_030637.3); short protein forms E87*.
Identifiers: ClinVar variation 4810778 (VCV004810778.1).
Genomic context (GRCh38, chr14:53,152,840, plus strand): 5'-CACCCTCGCTGTAGTAGCGCAGCGAGGAGCCCGACTCGGCGGAGCTGAAGTCATAGTTCT[C>A]GTCACTGAGGCAGGGGTCCAGCGCGAGGTGGTGGTTGTGGTCGTCGGTGCCCGGCGCCAA-3'